The following is an entry in ClinVar:

ClinVar aggregate classification (germline): Pathogenic (1 of 4 stars; one submission).

Conditions:
Atypical hemolytic-uremic syndrome. Identifiers: Orphanet 2134, MedGen C2931788, MONDO:0016244.

Submission:

Genomenon, Inc
Classification: Pathogenic for Atypical hemolytic-uremic syndrome. Last evaluated: 2025-10-02. Review status: criteria provided, single submitter. Criteria: Genomenon Sequence Variant Interpretation Standards - Updated. Collection method: curation. Allele origin: germline. Affected: yes.
Comment: CFH p.Thr645ArgfsTer20 (c.1933del) is a frameshift variant that results in the production of a truncated protein which is predicted to undergo nonsense-mediated mRNA decay. This variant has been observed in at least one proband affected with atypical hemolytic-uremic syndrome (PMID:25899302;28596415). It is absent or not present at a significant frequency in gnomAD. In conclusion, we classify CFH p.Thr645ArgfsTer20 (c.1933del) as a pathogenic variant.

Literature cited by the submitters: PubMed 25899302; PubMed 28596415.

NM_000186.4(CFH):c.1933del (p.Thr645fs)

Gene: CFH (complement factor H; plus strand). Cytogenetic location: 1q31.3.
Variant type: Deletion.
Coding change: c.1933del on transcript NM_000186.4 (MANE Select); coding-DNA position 1933, one base deleted (A; older notation c.1933delA).
Protein change: p.Thr645fs; shifts the reading frame from threonine 645.
Molecular consequence: frameshift variant.
Genome position (GRCh38, 1-based): chr1:196,726,529, A deleted; the last of 6 consecutive A bases (chr1:196,726,524-196,726,529); deleting any one gives the same sequence. VCF-style (leftmost placement, unchanged base first): chr1-196726523-GA-G. GRCh37 (hg19) VCF-style: chr1-196695653-GA-G.
Other names: short protein forms T645fs.
Identifiers: ClinVar variation 4291660 (VCV004291660.1).
Genomic context (GRCh38, chr1:196,726,523, plus strand): 5'-ACTATAGAGCAAGTACAATCATGTGGTCCACCTCCTGAACTCCTCAATGGGAATGTTAAG[GA>G]AAAAACGAAAGAAGAATATGGACACAGTGAAGTGGTGGAATATTATTGCAATCCTAGATT-3'